The following is an entry in ClinVar:

NM_001083962.2(TCF4):c.*5503T>C

Gene: TCF4 (transcription factor 4; minus strand). Cytogenetic location: 18q21.2.
Variant type: single nucleotide variant.
Coding change: c.*5503T>C on transcript NM_001083962.2 (MANE Select); 5503 bases downstream of the stop codon, T replaced by C.
Molecular consequence: 3 prime UTR variant.
Genome position (GRCh38, 1-based): chr18:55,222,532, A>G on the plus strand (T>C on the coding strand, the complement: TCF4 is on the minus strand). VCF-style: chr18-55222532-A-G. GRCh37 (hg19) VCF-style: chr18-52889763-A-G.
Other names: c.*5503T>C (NM_001243226.3, NM_001243227.2, NM_001243228.2 and 42 more transcripts).
Identifiers: ClinVar variation 327222 (VCV000327222.5), dbSNP rs555807846, ClinGen allele CA10651825.

ClinVar aggregate classification (germline): Benign (1 of 4 stars; one submission).

Conditions:
Pitt-Hopkins syndrome (PTHS). Also called: ENCEPHALOPATHY, SEVERE EPILEPTIC, WITH AUTONOMIC DYSFUNCTION; MENTAL RETARDATION, SYNDROMAL, WITH INTERMITTENT HYPERVENTILATION. Identifiers: Orphanet 2896, MedGen C1970431, MONDO:0012589, OMIM 610954.

Allele frequency attached by ClinVar (database versions not stated): 1000 Genomes Project 30x 0.00031; 1000 Genomes Project 0.00040; gnomAD 0.00001 and 0.00002; TOPMed 0.00001.

Submission:

Illumina Laboratory Services, Illumina
Classification: Benign for Pitt-Hopkins syndrome. Last evaluated: 2018-01-13. Review status: criteria provided, single submitter. Criteria: ICSL Variant Classification Criteria 13 December 2019. Collection method: clinical testing. Allele origin: germline.
Comment: This variant was observed in the ICSL laboratory as part of a predisposition screen in an ostensibly healthy population. It had not been previously curated by ICSL or reported in the Human Gene Mutation Database (HGMD: prior to June 1st, 2018), and was therefore a candidate for classification through an automated scoring system. Utilizing variant allele frequency, disease prevalence and penetrance estimates, and inheritance mode, an automated score was calculated to assess if this variant is too frequent to cause the disease. Based on the score and internal cut-off values, a variant classified as benign is not then subjected to further curation. The score for this variant resulted in a classification of benign for this disease.